The following is an entry in ClinVar:

ClinVar aggregate classification (germline): Uncertain significance. Review status: criteria provided, multiple submitters, no conflicts (2 of 4 stars). 2 submissions from 2 submitters: Uncertain significance (2). Last evaluated 2024-11-29.

Allele frequency attached by ClinVar (database versions not stated): gnomAD 0.00003; TOPMed 0.00007.
gnomAD v4.1: 28 of 1,614,002 alleles (0.0017%); highest among the groups gnomAD compares: Middle Eastern, 0.033%; no homozygotes.

Submissions (2):

Ambry Genetics
Classification: Uncertain significance. Last evaluated: 2024-11-29. Review status: criteria provided, single submitter. Criteria: Ambry Variant Classification Scheme 2023. Collection method: clinical testing. Allele origin: germline.

Labcorp Genetics (formerly Invitae), Labcorp
Classification: Uncertain significance. Last evaluated: 2022-01-21. Review status: criteria provided, single submitter. Criteria: Invitae Variant Classification Sherloc (09022015). Collection method: clinical testing. Allele origin: germline.
Comment: This sequence change replaces arginine, which is basic and polar, with histidine, which is basic and polar, at codon 350 of the FAM46A protein (p.Arg350His). This variant is present in population databases (no rsID available, gnomAD 0.002%). This variant has not been reported in the literature in individuals affected with FAM46A-related conditions. Algorithms developed to predict the effect of missense changes on protein structure and function are either unavailable or do not agree on the potential impact of this missense change (SIFT: "Tolerated"; PolyPhen-2: "Probably Damaging"; Align-GVGD: "Class C0"). In summary, the available evidence is currently insufficient to determine the role of this variant in disease. Therefore, it has been classified as a Variant of Uncertain Significance.

NM_017633.3(TENT5A):c.1049G>A (p.Arg350His)

Gene: TENT5A (terminal nucleotidyltransferase 5A; minus strand). Cytogenetic location: 6q14.1.
Variant type: single nucleotide variant.
Coding change: c.1049G>A on transcript NM_017633.3 (MANE Select); coding-DNA position 1049, G replaced by A.
Protein change: p.Arg350His; replaces arginine 350 with histidine.
Molecular consequence: missense variant.
Genome position (GRCh38, 1-based): chr6:81,749,975, C>T on the plus strand (G>A on the coding strand, the complement: TENT5A is on the minus strand). VCF-style: chr6-81749975-C-T. GRCh37 (hg19) VCF-style: chr6-82459692-C-T.
Other names: c.1049G>A (NM_017633.2); short protein forms R350H.
Identifiers: ClinVar variation 2065852 (VCV002065852.2), dbSNP rs747135448, ClinGen allele CA142483217.